The following is an entry in ClinVar:

NM_138576.4(BCL11B):c.1697G>A (p.Arg566His)

Gene: BCL11B (BCL11 transcription factor B; minus strand). Cytogenetic location: 14q32.2.
Variant type: single nucleotide variant.
Coding change: c.1697G>A on transcript NM_138576.4 (MANE Select); coding-DNA position 1697, G replaced by A.
Protein change: p.Arg566His; replaces arginine 566 with histidine.
Molecular consequence: missense variant.
Genome position (GRCh38, 1-based): chr14:99,175,139, C>T on the plus strand (G>A on the coding strand, the complement: BCL11B is on the minus strand). VCF-style: chr14-99175139-C-T. GRCh37 (hg19) VCF-style: chr14-99641476-C-T.
Other names: c.1694G>A, p.Arg565His (NM_001282237.2); c.1481G>A, p.Arg494His (NM_001282238.2); c.1484G>A, p.Arg495His (NM_022898.3); c.1697G>A (NM_138576.3); short protein forms R566H, R494H, R495H, R565H.
Identifiers: ClinVar variation 2906999 (VCV002906999.4), dbSNP rs2139757273, ClinGen allele CA390934791.
Genomic context (GRCh38, chr14:99,175,139, plus strand): 5'-GCCTTGGCCGCGCCGCCCCCCGCGCCCGGGACCCCGGGCACCCCACCACCGCCGTTCTCG[C>T]GGTTGCGGCTCAGCTCCGAGTCCATGCTGAAGCTCGACTCGGGCCGGCTCTCGTTCTCCA-3'
Protein context (NP_612808.1, residues 556-576): FSMDSELSRN[Arg566His]ENGGGGVPGV

ClinVar aggregate classification (germline): Uncertain significance. Review status: criteria provided, multiple submitters, no conflicts (2 of 4 stars). 2 submissions from 2 submitters: Uncertain significance (2). Last evaluated 2026-03-23.

Submissions (2):

GeneDx
Classification: Uncertain significance. Last evaluated: 2026-03-23. Review status: criteria provided, single submitter. Criteria: GeneDx Variant Classification Process June 2021. Collection method: clinical testing. Allele origin: germline.
Comment: Not observed at significant frequency in large population cohorts (gnomAD); In silico analysis suggests that this missense variant does not alter protein structure/function; Has not been previously published as pathogenic or benign to our knowledge

Labcorp Genetics (formerly Invitae), Labcorp
Classification: Uncertain significance. Last evaluated: 2023-09-26. Review status: criteria provided, single submitter. Criteria: Invitae Variant Classification Sherloc (09022015). Collection method: clinical testing. Allele origin: germline.
Comment: In summary, the available evidence is currently insufficient to determine the role of this variant in disease. Therefore, it has been classified as a Variant of Uncertain Significance. An algorithm developed to predict the effect of missense changes on protein structure and function (PolyPhen-2) suggests that this variant is likely to be tolerated. This variant has not been reported in the literature in individuals affected with BCL11B-related conditions. This variant is not present in population databases (gnomAD no frequency). This sequence change replaces arginine, which is basic and polar, with histidine, which is basic and polar, at codon 566 of the BCL11B protein (p.Arg566His).